The following is an entry in ClinVar:

ClinVar aggregate classification (germline): Pathogenic/Likely pathogenic. Review status: criteria provided, multiple submitters, no conflicts (2 of 4 stars). 4 submissions from 4 submitters: Pathogenic (2); Likely pathogenic (2). Last evaluated 2026-09-08.

Conditions:
Cardiovascular phenotype. Identifiers: MedGen CN230736.
Fabry disease. Also called: Angiokeratoma corporis diffusum; Ceramide trihexosidosis; Fabry's disease; ALPHA-GALACTOSIDASE A DEFICIENCY; ANDERSON-FABRY DISEASE; CERAMIDE TRIHEXOSIDASE DEFICIENCY. Identifiers: Orphanet 324, MedGen C0002986, MONDO:0010526, OMIM 301500, HP:0001071. Disease mechanism: loss of function, Fabry disease is due to inactivating mutations in the X-linked GLA gene resulting in deficiency of the enzyme Alpha Galactosidase-A..

Submissions (4):

Genomenon, Inc
Classification: Pathogenic for Fabry disease. Last evaluated: 2026-09-08. Review status: criteria provided, single submitter. Criteria: Genomenon Sequence Variant Interpretation Standards - Updated. Collection method: curation. Allele origin: germline. Affected: yes.
Comment: GLA p.Ser148Arg (c.444T>G) is a missense variant that changes the amino acid at codon 148 from Serine to Arginine. This variant has been observed in at least one proband with clinical features consistent with Fabry disease (PMID:32127409;30834538;9100224;36140787). The variant was found to segregate with disease in at least one affected family (PMID:36140787). At least one functional study has demonstrated a substantial alteration in protein function relative to the wild-type (PMID:21598360;27657681). It is absent or not present at a significant frequency in gnomAD. In silico models predict that this variant is possibly or probably damaging. In conclusion, we classify GLA p.Ser148Arg (c.444T>G) as a pathogenic variant.

Ambry Genetics
Classification: Likely pathogenic for Cardiovascular phenotype. Last evaluated: 2023-08-10. Review status: criteria provided, single submitter. Criteria: Ambry Variant Classification Scheme 2023. Collection method: clinical testing. Allele origin: germline.
Comment: The p.S148R variant (also known as c.444T>G), located in coding exon 3 of the GLA gene, results from a T to G substitution at nucleotide position 444. The serine at codon 148 is replaced by arginine, an amino acid with dissimilar properties. This alteration has been reported in individuals with Fabry disease, including individuals with classic phenotype and reduced enzyme activity (Eng CM et al. Mol Med, 1997 Mar;3:174-82; Wu X et al. Hum Mutat, 2011 Aug;32:965-77; Germain DP et al. J Med Genet, 2015 May;52:353-8; Schiffmann R et al. J Inherit Metab Dis, 2019 May;42:534-544; Najafian B et al. J Am Soc Nephrol, 2020 Apr;31:865-875; Moiseev S et al. Genes (Basel), 2022 Sep;13:[ePub ahead of print]). Additionally, an in vitro assay shows this alteration impacts protein function (Wu X et al. Hum Mutat, 2011 Aug;32:965-77). This variant is considered to be rare based on population cohorts in the Genome Aggregation Database (gnomAD). This amino acid position is highly conserved in available vertebrate species. In addition, this alteration is predicted to be deleterious by in silico analysis. Based on the majority of available evidence to date, this variant is likely to be pathogenic.

Women's Health and Genetics/Laboratory Corporation of America, LabCorp
Classification: Pathogenic for Fabry disease. Last evaluated: 2022-12-01. Review status: criteria provided, single submitter. Criteria: LabCorp Variant Classification Summary - May 2015. Collection method: clinical testing. Allele origin: germline.
Comment: Variant summary: GLA c.444T>G (p.Ser148Arg) results in a non-conservative amino acid change in the encoded protein sequence. Five of five in-silico tools predict a damaging effect of the variant on protein function. The variant was absent in 183485 control chromosomes (gnomAD). c.444T>G has been reported in the literature in the hemizygous state in individuals affected with the classic phenotype of Fabry Disease (e.g. Eng_1997, Topaloglu_1999, Wu_2011, Schiffmann_2019, Najafian_2020). These data indicate that the variant is likely to be associated with disease. At least one publication reports experimental evidence evaluating an impact on protein function and found that the variant results in <10% of normal activity (Wu_2011). One clinical diagnostic laboratory has submitted a clinical-significance assessment for this variant to ClinVar after 2014 without evidence for independent evaluation and classified the variant as likely pathogenic. Based on the evidence outlined above, the variant was classified as pathogenic.

Labcorp Genetics (formerly Invitae), Labcorp
Classification: Likely pathogenic for Fabry disease. Last evaluated: 2021-04-05. Review status: criteria provided, single submitter. Criteria: Invitae Variant Classification Sherloc (09022015). Collection method: clinical testing. Allele origin: germline.
Comment: In summary, the currently available evidence indicates that the variant is pathogenic, but additional data are needed to prove that conclusively. Therefore, this variant has been classified as Likely Pathogenic. This variant is not present in population databases (ExAC no frequency). This variant disrupts the p.Ser148 amino acid residue in GLA. Other variant(s) that disrupt this residue have been determined to be pathogenic (PMID: 18205205, 15091117, 19387866, 21598360). This suggests that this residue is clinically significant, and that variants that disrupt this residue are likely to be disease-causing Algorithms developed to predict the effect of sequence changes on RNA splicing suggest that this variant may create or strengthen a splice site, but this prediction has not been confirmed by published transcriptional studies. Experimental studies have shown that this variant affects GLA protein function (PMID: 21598360, 19387866). This variant has been observed in individual(s) with Fabry disease (PMID: 10666480). ClinVar contains an entry for this variant (Variation ID: 633251). This sequence change replaces serine with arginine at codon 148 of the GLA protein (p.Ser148Arg). The serine residue is highly conserved and there is a moderate physicochemical difference between serine and arginine.

Literature cited by the submitters: PubMed 32127409 (cited by 3 submitters); PubMed 30834538 (cited by 3 submitters); PubMed 9100224 (cited by 3 submitters); PubMed 36140787 (cited by Genomenon, Inc and Ambry Genetics); PubMed 21598360 (cited by 3 submitters); PubMed 27657681 (cited by Genomenon, Inc and Women's Health and Genetics/Laboratory Corporation of America, LabCorp); PubMed 25795794 (cited by Ambry Genetics and Women's Health and Genetics/Laboratory Corporation of America, LabCorp); PubMed 10666480 (cited by Women's Health and Genetics/Laboratory Corporation of America, LabCorp and Labcorp Genetics (formerly Invitae), Labcorp); PubMed 24386359 (cited by Women's Health and Genetics/Laboratory Corporation of America, LabCorp); PubMed 25382311 (cited by Women's Health and Genetics/Laboratory Corporation of America, LabCorp); PubMed 18205205 (cited by Labcorp Genetics (formerly Invitae), Labcorp); PubMed 15091117 (cited by Labcorp Genetics (formerly Invitae), Labcorp); PubMed 19387866 (cited by Labcorp Genetics (formerly Invitae), Labcorp).

NM_000169.3(GLA):c.444T>G (p.Ser148Arg)

Genes: GLA (galactosidase alpha; minus strand), RPL36A-HNRNPH2 (RPL36A-HNRNPH2 readthrough; plus strand). Cytogenetic location: Xq22.1.
Variant type: single nucleotide variant.
Coding change: c.444T>G on transcript NM_000169.3 (MANE Select); coding-DNA position 444, T replaced by G.
Protein change: p.Ser148Arg; replaces serine 148 with arginine.
Molecular consequence: missense variant. On other transcripts: non-coding transcript variant (3), intron variant (2).
Genome position (GRCh38, 1-based): chrX:101,401,735, A>C on the plus strand (T>G on the coding strand, the complement: GLA is on the minus strand). VCF-style: chrX-101401735-A-C. GRCh37 (hg19) VCF-style: chrX-100656723-A-C.
Other names: c.567T>G, p.Ser189Arg (NM_001406747.1, NM_001406749.1); c.444T>G, p.Ser148Arg (NM_001406748.1); c.300+6278A>C (NM_001199973.2); c.177+9913A>C (NM_001199974.2); short protein forms S148R, S189R.
Identifiers: ClinVar variation 633251 (VCV000633251.14), dbSNP rs1569304190, ClinGen allele CA413929898.